The following is an entry in ClinVar:

ClinVar aggregate classification (germline): Uncertain significance (1 of 4 stars; one submission).

Submission:

GeneDx
Classification: Uncertain significance. Last evaluated: 2026-03-03. Review status: criteria provided, single submitter. Criteria: GeneDx Variant Classification Process June 2021. Collection method: clinical testing. Allele origin: germline.
Comment: Not observed at significant frequency in large population cohorts (gnomAD); In silico analysis supports that this missense variant has a deleterious effect on protein structure/function; Has not been previously published as pathogenic or benign to our knowledge

NM_003620.4(PPM1D):c.577T>G (p.Ser193Ala)

Genes: PPM1D (protein phosphatase, Mg2+/Mn2+ dependent 1D; plus strand), LOC129390907 (MPRA-validated peak2930 silencer; plus strand). Cytogenetic location: 17q23.2.
Variant type: single nucleotide variant.
Coding change: c.577T>G on transcript NM_003620.4 (MANE Select); coding-DNA position 577, T replaced by G.
Protein change: p.Ser193Ala; replaces serine 193 with alanine.
Molecular consequence: missense variant.
Genome position (GRCh38, 1-based): chr17:60,623,625, T>G. VCF-style: chr17-60623625-T-G. GRCh37 (hg19) VCF-style: chr17-58700986-T-G.
Other names: short protein forms S193A.
Identifiers: ClinVar variation 5008483 (VCV005008483.1).